The following is an entry in ClinVar:

ClinVar aggregate classification (germline): Likely benign (1 of 4 stars; one submission).

gnomAD v4.1: 1 of 1,211,385 alleles (0.000083%); highest among the groups gnomAD compares: Non-Finnish European, 0.00011%; no homozygotes.

Submission:

CeGaT Center for Human Genetics Tuebingen
Classification: Likely benign. Last evaluated: 2025-10-01. Review status: criteria provided, single submitter. Criteria: CeGaT Center For Human Genetics Tuebingen Variant Classification Criteria Version 2. Collection method: clinical testing. Allele origin: germline. Affected: yes. Observed: 1 variant allele.
Comment: USP9X: BP4, BP7

NM_001039591.3(USP9X):c.561C>T (p.Tyr187=)

Gene: USP9X (ubiquitin specific peptidase 9 X-linked; plus strand). Cytogenetic location: Xp11.4.
Variant type: single nucleotide variant.
Coding change: c.561C>T on transcript NM_001039591.3 (MANE Select); coding-DNA position 561, C replaced by T.
Protein change: p.Tyr187=; no amino-acid change (tyrosine 187 retained).
Molecular consequence: synonymous variant.
Genome position (GRCh38, 1-based): chrX:41,136,929, C>T. VCF-style: chrX-41136929-C-T. GRCh37 (hg19) VCF-style: chrX-40996182-C-T.
Other names: c.561C>T, p.Tyr187= (NM_001039590.3, NM_001410748.1, NM_001410749.1 and 1 more transcripts).
Identifiers: ClinVar variation 4534869 (VCV004534869.6).